The following is an entry in ClinVar:

ClinVar aggregate classification (germline): Conflicting classifications of pathogenicity. Review status: criteria provided, conflicting classifications (1 of 4 stars). 3 submissions from 3 submitters: Uncertain significance (2); Likely benign (1). Last evaluated 2026-01-17.

Conditions:
CARD8-related disorder. Also called: CARD8-related condition.

Allele frequency attached by ClinVar (database versions not stated): gnomAD exomes 0.00021 and 0.00054; ExAC 0.00025; gnomAD 0.00026 and 0.00029; TOPMed 0.00026.
gnomAD v4.1: 837 of 1,611,240 alleles (0.052%); highest among the groups gnomAD compares: Non-Finnish European, 0.066%; 2 homozygotes.

Submissions (3):

Labcorp Genetics (formerly Invitae), Labcorp
Classification: Uncertain significance. Last evaluated: 2026-01-17. Review status: criteria provided, single submitter. Criteria: Invitae Variant Classification Sherloc (09022015). Collection method: clinical testing. Allele origin: germline.
Comment: This sequence change affects codon 20 of the CARD8 mRNA. It is a 'silent' change, meaning that it does not change the encoded amino acid sequence of the CARD8 protein. It affects a nucleotide within the consensus splice site. This variant is present in population databases (rs201361713, gnomAD 0.03%). This variant has not been reported in the literature in individuals affected with CARD8-related conditions. ClinVar contains an entry for this variant (Variation ID: 1372045). Algorithms developed to predict the effect of sequence changes on RNA splicing suggest that this variant is not likely to affect RNA splicing. In summary, the available evidence is currently insufficient to determine the role of this variant in disease. Therefore, it has been classified as a Variant of Uncertain Significance.

PreventionGenetics, part of Exact Sciences
Classification: Uncertain significance for CARD8-related condition. Last evaluated: 2024-12-10. Review status: criteria provided, single submitter. Criteria: ACMG Guidelines, 2015. Collection method: clinical testing. Allele origin: germline.
Comment: The CARD8 c.8G>A variant is predicted to result in the amino acid substitution p.Arg3Gln. Of note, this variant is located in an alternate transcript. In the reported transcript (NM_014959.5) this variant is not predicted to lead to an amino acid substitution (c.60G>A, p.Arg20Arg) and in other transcripts this variant is pre-coding. To our knowledge, this variant has not been reported in the literature. This variant is reported in 0.034% of alleles in individuals of European (Non-Finnish) descent in gnomAD. While this variant may be benign, at this time, the clinical significance of this variant is uncertain due to the absence of conclusive functional and genetic evidence.

Ambry Genetics
Classification: Likely benign. Last evaluated: 2024-10-21. Review status: criteria provided, single submitter. Criteria: Ambry Variant Classification Scheme 2023. Collection method: clinical testing. Allele origin: germline.

NM_001184900.3(CARD8):c.210G>A (p.Thr70=)

Gene: CARD8 (caspase recruitment domain family member 8; minus strand). Cytogenetic location: 19q13.33.
Variant type: single nucleotide variant.
Coding change: c.210G>A on transcript NM_001184900.3 (MANE Select); coding-DNA position 210, G replaced by A.
Protein change: p.Thr70=; no amino-acid change (threonine 70 retained).
Molecular consequence: synonymous variant. On other transcripts: 5 prime UTR variant (6), missense variant (1), non-coding transcript variant (4).
Genome position (GRCh38, 1-based): chr19:48,234,543, C>T on the plus strand (G>A on the coding strand, the complement: CARD8 is on the minus strand). VCF-style: chr19-48234543-C-T. GRCh37 (hg19) VCF-style: chr19-48737800-C-T.
Other names: c.60G>A, p.Arg20= (NM_001184901.1, NM_001351783.2, NM_001351788.2 and 2 more transcripts); c.210G>A, p.Thr70= (NM_001184902.2, NM_001184903.1, NM_001351782.2); c.-65G>A (NM_001351784.2, NM_001351787.2, NM_001351791.2 and 2 more transcripts); c.-279G>A (NM_001351786.2); c.8G>A, p.Arg3Gln (NM_001351790.2); c.210G>A (NM_001184900.1); c.8G>A (NM_001351790.1); short protein forms R3Q.
Identifiers: ClinVar variation 1372045 (VCV001372045.8), dbSNP rs201361713, ClinGen allele CA9548118.